The following is an entry in ClinVar:

ClinVar aggregate classification (germline): Uncertain significance (1 of 4 stars; one submission).

gnomAD v4.1: 1 of 1,613,736 alleles (0.000062%); highest among the groups gnomAD compares: Non-Finnish European, 0.000085%; no homozygotes.

Submission:

GeneDx
Classification: Uncertain significance. Last evaluated: 2019-08-27. Review status: criteria provided, single submitter. Criteria: GeneDx Variant Classification Process June 2021. Collection method: clinical testing. Allele origin: germline. Affected: yes.
Comment: Not observed in large population cohorts (Lek et al., 2016); In silico analysis, which includes protein predictors and evolutionary conservation, supports that this variant does not alter protein structure/function; Has not been previously published as pathogenic or benign to our knowledge

NM_178335.3(CCDC50):c.748G>C (p.Glu250Gln)

Gene: CCDC50 (coiled-coil domain containing 50; plus strand). Cytogenetic location: 3q28.
Variant type: single nucleotide variant.
Coding change: c.748G>C on transcript NM_178335.3 (MANE Select); coding-DNA position 748, G replaced by C.
Protein change: p.Glu250Gln; replaces glutamic acid 250 with glutamine.
Molecular consequence: missense variant. On other transcripts: intron variant (1).
Genome position (GRCh38, 1-based): chr3:191,375,361, G>C. VCF-style: chr3-191375361-G-C. GRCh37 (hg19) VCF-style: chr3-191093150-G-C.
Other names: c.449-4798G>C (NM_174908.4); short protein forms E250Q.
Identifiers: ClinVar variation 1309766 (VCV001309766.2), dbSNP rs2108663074, ClinGen allele CA355764395.